The following is an entry in ClinVar:

NM_002860.4(ALDH18A1):c.1798C>G (p.Leu600Val)

Gene: ALDH18A1 (aldehyde dehydrogenase 18 family member A1; minus strand). Cytogenetic location: 10q24.1.
Variant type: single nucleotide variant.
Coding change: c.1798C>G on transcript NM_002860.4 (MANE Select); coding-DNA position 1798, C replaced by G.
Protein change: p.Leu600Val; replaces leucine 600 with valine.
Molecular consequence: missense variant.
Genome position (GRCh38, 1-based): chr10:95,613,969, G>C on the plus strand (C>G on the coding strand, the complement: ALDH18A1 is on the minus strand). VCF-style: chr10-95613969-G-C. GRCh37 (hg19) VCF-style: chr10-97373726-G-C.
Other names: c.1792C>G, p.Leu598Val (NM_001017423.2, NM_001323415.2); c.1465C>G, p.Leu489Val (NM_001323412.2, NM_001323416.2); c.1798C>G, p.Leu600Val (NM_001323413.2, NM_001323414.2); c.1693C>G, p.Leu565Val (NM_001323417.2); c.1459C>G, p.Leu487Val (NM_001323418.2); c.1162C>G, p.Leu388Val (NM_001323419.2); short protein forms L388V, L487V, L489V, L565V, L598V, L600V.
Identifiers: ClinVar variation 1328131 (VCV001328131.7), dbSNP rs1755139847, ClinGen allele CA377700490.

ClinVar aggregate classification (germline): Uncertain significance. Review status: criteria provided, multiple submitters, no conflicts (2 of 4 stars). 2 submissions from 2 submitters: Uncertain significance (2). Last evaluated 2022-12-05.

Conditions:
ALDH18A1 deficiency.
Autosomal dominant spastic paraplegia type 9. Identifiers: MedGen C1832669, MONDO:0015091.
de Barsy syndrome. Also called: Cutis laxa-corneal clouding-oligophrenia syndrome. Identifiers: Orphanet 2962, MedGen C0268354, MONDO:0017569.
Cutis laxa, autosomal dominant 3 (ADCL3). Identifiers: Orphanet 90348, MedGen C4225268, MONDO:0014706, OMIM 616603.

Allele frequency attached by ClinVar (database versions not stated): gnomAD exomes below 0.00001; TOPMed 0.00001.
gnomAD v4.1: 1 of 1,614,198 alleles (0.000062%); highest among the groups gnomAD compares: African/African-American, 0.0013%; no homozygotes.

Submissions (2):

Labcorp Genetics (formerly Invitae), Labcorp
Classification: Uncertain significance for Autosomal dominant spastic paraplegia type 9; de Barsy syndrome; Cutis laxa, autosomal dominant 3. Last evaluated: 2022-12-05. Review status: criteria provided, single submitter. Criteria: Invitae Variant Classification Sherloc (09022015). Collection method: clinical testing. Allele origin: germline.
Comment: This variant is not present in population databases (gnomAD no frequency). This sequence change replaces leucine, which is neutral and non-polar, with valine, which is neutral and non-polar, at codon 600 of the ALDH18A1 protein (p.Leu600Val). This missense change has been observed in individual(s) with hereditary spastic paraplegia (Invitae). ClinVar contains an entry for this variant (Variation ID: 1328131). Advanced modeling of protein sequence and biophysical properties (such as structural, functional, and spatial information, amino acid conservation, physicochemical variation, residue mobility, and thermodynamic stability) performed at Invitae indicates that this missense variant is not expected to disrupt ALDH18A1 protein function. Algorithms developed to predict the effect of sequence changes on RNA splicing suggest that this variant may disrupt the consensus splice site. In summary, the available evidence is currently insufficient to determine the role of this variant in disease. Therefore, it has been classified as a Variant of Uncertain Significance.

Illumina Laboratory Services, Illumina
Classification: Uncertain significance for ALDH18A1 deficiency. Last evaluated: 2021-07-23. Review status: criteria provided, single submitter. Criteria: ICSLVariantClassificationCriteria RUGD 01 April 2020. Collection method: clinical testing. Allele origin: unknown.
Comment: The ALDH18A1 c.1798C>G (p.Leu600Val) variant is a missense variant. A literature search was performed for the gene, cDNA change, and amino acid change. No publications were found based on this search. The p.Leu600Val variant is located within the L-glutamyl-5-phosphate reductase (G5PR) domain of the protein (Marco-Marín et al. 2020). Two variants with limited functional support for pathogenicity, have been reported in this domain in individuals with autosomal dominant hereditary spastic paraplegia type 9A (Coutelier et al. 2016). The p.Leu600Val variant is not found in version 2.1.1 or version 3.1.1 of the Genome Aggregation Database despite its location in a region of good sequence coverage, so the variant is presumed to be rare. Based on the limited evidence the p.Leu600Val variant is classified as a variant of uncertain significance for ALDH18A1 deficiency.

Literature cited by the submitters: PubMed 26297557 (cited by Illumina Laboratory Services, Illumina); PubMed 32017139 (cited by Illumina Laboratory Services, Illumina).